The following is an entry in ClinVar:

ClinVar aggregate classification (germline): Uncertain significance. Review status: criteria provided, multiple submitters, no conflicts (2 of 4 stars). 2 submissions from 2 submitters: Uncertain significance (2). Last evaluated 2025-10-29.

Conditions:
NCOA1-related disorder. Also called: NCOA1-related condition.

Allele frequency attached by ClinVar (database versions not stated): ExAC 0.00002; gnomAD 0.00002; TOPMed 0.00002; ESP Exome Variant Server 0.00008.
gnomAD v4.1: 8 of 1,613,882 alleles (0.0005%); highest among the groups gnomAD compares: African/African-American, 0.011%; no homozygotes.

Submissions (2):

Ambry Genetics
Classification: Uncertain significance. Last evaluated: 2025-10-29. Review status: criteria provided, single submitter. Criteria: Ambry Variant Classification Scheme 2023. Collection method: clinical testing. Allele origin: germline.

PreventionGenetics, part of Exact Sciences
Classification: Uncertain significance for NCOA1-related condition. Last evaluated: 2025-02-09. Review status: criteria provided, single submitter. Criteria: ACMG Guidelines, 2015. Collection method: clinical testing. Allele origin: germline.
Comment: The NCOA1 c.3034G>A variant is predicted to result in the amino acid substitution p.Val1012Ile. To our knowledge, this variant has not been reported in the literature. This variant is reported in 0.028% of alleles in individuals of African descent in gnomAD. At this time, the clinical significance of this variant is uncertain due to the absence of conclusive functional and genetic evidence.

NM_003743.5(NCOA1):c.3034G>A (p.Val1012Ile)

Gene: NCOA1 (nuclear receptor coactivator 1; plus strand). Cytogenetic location: 2p23.3.
Variant type: single nucleotide variant.
Coding change: c.3034G>A on transcript NM_003743.5 (MANE Select); coding-DNA position 3034, G replaced by A.
Protein change: p.Val1012Ile; replaces valine 1012 with isoleucine.
Molecular consequence: missense variant.
Genome position (GRCh38, 1-based): chr2:24,729,648, G>A. VCF-style: chr2-24729648-G-A. GRCh37 (hg19) VCF-style: chr2-24952517-G-A.
Other names: c.3034G>A, p.Val1012Ile (NM_001362950.1, NM_001362952.1, NM_001362954.1 and 3 more transcripts); short protein forms V1012I.
Identifiers: ClinVar variation 2264320 (VCV002264320.4), dbSNP rs143918703, ClinGen allele CA1552553.